The following is an entry in ClinVar:

NM_032043.3(BRIP1):c.1117C>G (p.Leu373Val)

Gene: BRIP1 (BRCA1 interacting DNA helicase 1; minus strand). Cytogenetic location: 17q23.2.
Variant type: single nucleotide variant.
Coding change: c.1117C>G on transcript NM_032043.3 (MANE Select); coding-DNA position 1117, C replaced by G.
Protein change: p.Leu373Val; replaces leucine 373 with valine.
Molecular consequence: missense variant.
Genome position (GRCh38, 1-based): chr17:61,801,276, G>C on the plus strand (C>G on the coding strand, the complement: BRIP1 is on the minus strand). VCF-style: chr17-61801276-G-C. GRCh37 (hg19) VCF-style: chr17-59878637-G-C.
Other names: short protein forms L373V.
Identifiers: ClinVar variation 5033420 (VCV005033420.1).

ClinVar aggregate classification (germline): Uncertain significance (1 of 4 stars; one submission).

Conditions:
Hereditary cancer-predisposing syndrome. Also called: Neoplastic Syndromes, Hereditary; Tumor predisposition; Hereditary neoplastic syndrome; Hereditary Cancer Syndrome. Identifiers: Orphanet 140162, MedGen C0027672, MeSH D009386, MONDO:0015356.

Submission:

Ambry Genetics
Classification: Uncertain significance for Hereditary cancer-predisposing syndrome. Last evaluated: 2026-07-07. Review status: criteria provided, single submitter. Criteria: Ambry Variant Classification Scheme 2023. Collection method: clinical testing. Allele origin: germline.
Comment: The p.L373V variant (also known as c.1117C>G), located in coding exon 7 of the BRIP1 gene, results from a C to G substitution at nucleotide position 1117. The leucine at codon 373 is replaced by valine, an amino acid with highly similar properties. This amino acid position is conserved. In addition, the in silico prediction for this alteration is inconclusive. Based on the available evidence, the clinical significance of this variant remains unclear.